The following is an entry in ClinVar:

NM_000026.4(ADSL):c.358-4G>A

Gene: ADSL (adenylosuccinate lyase; plus strand). Cytogenetic location: 22q13.1.
Variant type: single nucleotide variant.
Coding change: c.358-4G>A on transcript NM_000026.4 (MANE Select); 4 bases into the intron before coding-DNA position 358, G replaced by A.
Molecular consequence: intron variant.
Genome position (GRCh38, 1-based): chr22:40,353,069, G>A. VCF-style: chr22-40353069-G-A. GRCh37 (hg19) VCF-style: chr22-40749073-G-A.
Other names: p.?; c.358-4G>A (NM_001363840.3, NM_001123378.3); c.166-4G>A (NM_001317923.2).
Identifiers: ClinVar variation 128277 (VCV000128277.21), dbSNP rs113199851, ClinGen allele CA288668.
Genomic context (GRCh38, chr22:40,353,069, plus strand): 5'-GTTATGTAATAATATTGTTTGAGCAAAGCTGCTAAATATAAGATCATTGCATTTTCTTTC[G>A]TAGGACTTGATTATTCTTAGAAATGCACTTGACCTGCTTTTGCCAAAGGTAAGGAGTTGG-3'

ClinVar aggregate classification (germline): Benign. Review status: criteria provided, multiple submitters, no conflicts (2 of 4 stars). 6 submissions from 6 submitters: Benign (5). 1 of the submissions does not count toward it. Last evaluated 2026-02-03.

Conditions:
Adenylosuccinate lyase deficiency (ADSLD). Also called: ADSL DEFICIENCY. Identifiers: Orphanet 46, MedGen C0268126, MONDO:0007068, OMIM 103050.

Allele frequency attached by ClinVar (database versions not stated): gnomAD 0.01950 and 0.01800; TOPMed 0.01969; ESP Exome Variant Server 0.02076; ExAC 0.00560; 1000 Genomes Project 0.01378; 1000 Genomes Project 30x 0.01421; gnomAD exomes 0.00429.
gnomAD v4.1: 5,203 of 1,612,774 alleles (0.32%); highest among the groups gnomAD compares: African/African-American, 6.2%; 167 homozygotes.

Submissions (6):

Labcorp Genetics (formerly Invitae), Labcorp
Classification: Benign for Adenylosuccinate lyase deficiency. Last evaluated: 2026-02-03. Review status: criteria provided, single submitter. Criteria: Invitae Variant Classification Sherloc (09022015). Collection method: clinical testing. Allele origin: germline.

Mayo Clinic Laboratories, Mayo Clinic
Classification: Benign. Last evaluated: 2019-01-04. Review status: criteria provided, single submitter. Criteria: ACMG Guidelines, 2015. Collection method: clinical testing. Allele origin: germline. Observed: 9 variant alleles.

Illumina Laboratory Services, Illumina
Classification: Benign for Adenylosuccinate lyase deficiency. Last evaluated: 2018-01-12. Review status: criteria provided, single submitter. Criteria: ICSL Variant Classification Criteria 13 December 2019. Collection method: clinical testing. Allele origin: germline.
Comment: This variant was observed in the ICSL laboratory as part of a predisposition screen in an ostensibly healthy population. It had not been previously curated by ICSL or reported in the Human Gene Mutation Database (HGMD: prior to June 1st, 2018), and was therefore a candidate for classification through an automated scoring system. Utilizing variant allele frequency, disease prevalence and penetrance estimates, and inheritance mode, an automated score was calculated to assess if this variant is too frequent to cause the disease. Based on the score and internal cut-off values, a variant classified as benign is not then subjected to further curation. The score for this variant resulted in a classification of benign for this disease.

Athena Diagnostics
Classification: Benign. Last evaluated: 2017-10-25. Review status: criteria provided, single submitter. Criteria: Athena Diagnostics Criteria. Collection method: clinical testing. Allele origin: germline.

GeneDx
Classification: Benign. Last evaluated: 2013-01-15. Review status: criteria provided, single submitter. Criteria: GeneDx Variant Classification (06012015). Collection method: clinical testing. Allele origin: germline. Affected: yes.
Comment: This variant is considered likely benign or benign based on one or more of the following criteria: it is a conservative change, it occurs at a poorly conserved position in the protein, it is predicted to be benign by multiple in silico algorithms, and/or has population frequency not consistent with disease.

Genetic Services Laboratory, University of Chicago
Classification: Likely benign for AllHighlyPenetrant. Review status: no assertion criteria provided. Collection method: clinical testing. Allele origin: germline. Inheritance: Autosomal recessive inheritance. Not counted in ClinVar's aggregate classification.
Comment: Likely benign based on allele frequency in 1000 Genomes Project or ESP global frequency and its presence in a patient with a rare or unrelated disease phenotype. NOT Sanger confirmed.